The following is an entry in ClinVar:

NM_015272.5(RPGRIP1L):c.1448T>C (p.Val483Ala)

Gene: RPGRIP1L (RPGRIP1 like; minus strand). Cytogenetic location: 16q12.2.
Variant type: single nucleotide variant.
Coding change: c.1448T>C on transcript NM_015272.5 (MANE Select); coding-DNA position 1448, T replaced by C.
Protein change: p.Val483Ala; replaces valine 483 with alanine.
Molecular consequence: missense variant.
Genome position (GRCh38, 1-based): chr16:53,657,586, A>G on the plus strand (T>C on the coding strand, the complement: RPGRIP1L is on the minus strand). VCF-style: chr16-53657586-A-G. GRCh37 (hg19) VCF-style: chr16-53691498-A-G.
Other names: c.1448T>C, p.Val483Ala (NM_001127897.4, NM_001308334.3, NM_001330538.2); c.1448T>C (NM_015272.4); short protein forms V483A.
Identifiers: ClinVar variation 862061 (VCV000862061.8), dbSNP rs146565951, ClinGen allele CA8057791.

ClinVar aggregate classification (germline): Uncertain significance. Review status: criteria provided, multiple submitters, no conflicts (2 of 4 stars). 5 submissions from 5 submitters: Uncertain significance (4). 1 of the submissions does not count toward it. Last evaluated 2026-04-15.

Conditions:
Meckel-Gruber syndrome. Also called: GRUBER SYNDROME; DYSENCEPHALIA SPLANCHNOCYSTICA; Dysencephalia splachnocystica. Identifiers: Orphanet 564, MedGen C0265215, MONDO:0018921.
Joubert syndrome. Also called: Familial aplasia of the vermis; JOUBERT-BOLTSHAUSER SYNDROME. Identifiers: Orphanet 475, MedGen C5979921, MONDO:0018772.
RPGRIP1L-related disorder. Also called: RPGRIP1L-related disorders; RPGRIP1L-related condition. Identifiers: MedGen CN239416.

Allele frequency attached by ClinVar (database versions not stated): gnomAD exomes 0.00001 and 0.00002; ExAC 0.00002; gnomAD 0.00004 and 0.00005; TOPMed 0.00005; ESP Exome Variant Server 0.00008.
gnomAD v4.1: 27 of 1,600,180 alleles (0.0017%); highest among the groups gnomAD compares: Non-Finnish European, 0.002%; no homozygotes.

Submissions (5):

PreventionGenetics, part of Exact Sciences
Classification: Uncertain significance for RPGRIP1L-related condition. Last evaluated: 2026-04-15. Review status: criteria provided, single submitter. Criteria: ACMG Guidelines, 2015. Collection method: clinical testing. Allele origin: germline.
Comment: The RPGRIP1L c.1448T>C variant is predicted to result in the amino acid substitution p.Val483Ala. To our knowledge, this variant has not been reported in the literature. This variant is reported in 0.0054% of alleles in individuals of European (Non-Finnish) descent in gnomAD. At this time, the clinical significance of this variant is uncertain due to the absence of conclusive functional and genetic evidence.

Blueprint Genetics
Classification: Uncertain significance. Last evaluated: 2024-10-07. Review status: criteria provided, single submitter. Criteria: ACMG Guidelines, 2015. Collection method: clinical testing. Allele origin: germline.

GeneDx
Classification: Uncertain significance. Last evaluated: 2023-05-22. Review status: criteria provided, single submitter. Criteria: GeneDx Variant Classification Process June 2021. Collection method: clinical testing. Allele origin: germline. Affected: yes.
Comment: Not observed at significant frequency in large population cohorts (gnomAD); In silico analysis supports that this missense variant does not alter protein structure/function; Has not been previously published as pathogenic or benign to our knowledge

Labcorp Genetics (formerly Invitae), Labcorp
Classification: Uncertain significance for Joubert syndrome; Meckel-Gruber syndrome. Last evaluated: 2021-09-07. Review status: criteria provided, single submitter. Criteria: Invitae Variant Classification Sherloc (09022015). Collection method: clinical testing. Allele origin: germline.
Comment: This sequence change replaces valine with alanine at codon 483 of the RPGRIP1L protein (p.Val483Ala). The valine residue is moderately conserved and there is a small physicochemical difference between valine and alanine. This variant is present in population databases (rs146565951, ExAC 0.003%). This variant has not been reported in the literature in individuals affected with RPGRIP1L-related conditions. Algorithms developed to predict the effect of missense changes on protein structure and function (SIFT, PolyPhen-2, Align-GVGD) all suggest that this variant is likely to be tolerated. In summary, the available evidence is currently insufficient to determine the role of this variant in disease. Therefore, it has been classified as a Variant of Uncertain Significance.

Natera, Inc.
Classification: Uncertain significance for Joubert syndrome. Last evaluated: 2020-02-13. Review status: no assertion criteria provided. Collection method: clinical testing. Allele origin: germline. Not counted in ClinVar's aggregate classification.